The following is an entry in ClinVar:

NM_001370658.1(BTD):c.1147T>G (p.Phe383Val)

Gene: BTD (biotinidase; plus strand). Cytogenetic location: 3p25.1.
Variant type: single nucleotide variant.
Coding change: c.1147T>G on transcript NM_001370658.1 (MANE Select); coding-DNA position 1147, T replaced by G.
Protein change: p.Phe383Val; replaces phenylalanine 383 with valine.
Molecular consequence: missense variant. On other transcripts: intron variant (2).
Genome position (GRCh38, 1-based): chr3:15,645,063, T>G. VCF-style: chr3-15645063-T-G. GRCh37 (hg19) VCF-style: chr3-15686570-T-G.
Other names: F403V; c.1207T>G, p.Phe403Val (NM_000060.4); c.1147T>G, p.Phe383Val (NM_001281723.4, NM_001281724.3, NM_001281725.3 and 16 more transcripts); c.1015+132T>G (NM_001370752.1); c.399+3006T>G (NM_001370753.1); short protein forms F383V.
Identifiers: ClinVar variation 143949 (VCV000143949.28), dbSNP rs104893686, ClinGen allele CA312373.
Genomic context (GRCh38, chr3:15,645,063, plus strand): 5'-GCCACCAAGTGGAACGTGAATGCTCCTCCCACATTTCACTCTGAGATGATGTATGACAAT[T>G]TCACCCTGGTCCCTGTCTGGGGAAAGGAAGGCTATCTCCACGTCTGTTCCAATGGCCTCT-3'
Protein context (NP_001357587.1, residues 373-393): TFHSEMMYDN[Phe383Val]TLVPVWGKEG

ClinVar aggregate classification (germline): Conflicting classifications of pathogenicity; other. Review status: criteria provided, conflicting classifications (1 of 4 stars). 9 submissions from 9 submitters: Pathogenic (2); Likely pathogenic (4); Uncertain significance (1). 1 of the submissions does not count toward it. Last evaluated 2024-10-04.

Conditions:
Biotinidase deficiency. Also called: BTD deficiency; Late-onset biotin-responsive multiple carboxylase deficiency; Biotin deficiency. Identifiers: Orphanet 79241, MedGen C0220754, MONDO:0009665, OMIM 253260.

Allele frequency attached by ClinVar (database versions not stated): TOPMed 0.00001; gnomAD exomes 0.00002 and 0.00001.
gnomAD v4.1: 4 of 1,614,218 alleles (0.00025%); highest among the groups gnomAD compares: Admixed American, 0.0067%; no homozygotes.

Submissions (9):

Dubai Health Genomic Medicine Center, Dubai Health
Classification: Likely pathogenic for Biotinidase deficiency. Last evaluated: 2024-10-04. Review status: criteria provided, single submitter. Criteria: ACMG Guidelines, 2015. Collection method: research. Allele origin: germline. Affected: yes.
Comment: PM3 (strong),PM2,PP3,PP1,PP4

Fulgent Genetics
Classification: Likely pathogenic for Biotinidase deficiency. Last evaluated: 2024-04-24. Review status: criteria provided, single submitter. Criteria: ACMG Guidelines, 2015. Collection method: clinical testing. Allele origin: germline.

Women's Health and Genetics/Laboratory Corporation of America, LabCorp
Classification: Likely pathogenic for Biotinidase deficiency. Last evaluated: 2023-10-12. Review status: criteria provided, single submitter. Criteria: LabCorp Variant Classification Summary - May 2015. Collection method: clinical testing. Allele origin: germline.
Comment: Variant summary: BTD c.1147T>G (p.Phe383Val), also known as c.1207T>G (p.Phe403Val), results in a non-conservative amino acid change located in the vanin, C-terminal domain (IPR043957) of the encoded protein sequence. Five of five in-silico tools predict a damaging effect of the variant on protein function. The variant allele was found at a frequency of 1.6e-05 in 251384 control chromosomes (gnomAD). c.1147T>G has been reported in the literature, frequently observed in cis with c.1270G>C (p.Asp424His, also known as p.Asp444His), in multiple individuals affected with Biotinidase Deficiency, including several cases where the variant was observed in the homozygous state in cis with p.Asp424His in patients with profound Biotinidase Deficiency (e.g. Norrgard_1999, Hesermann_2012, Al Hosani_2014, Haines_2014, Jay_2015, Al-Jasmi_2016, Khan_2021, Saleh_2021). p.Asp424His is known to be associated with partial Biotinidase deficiency when in compound heterozygosity with other BTD variants associated with a mild or a severe phenotype, while homozygous individuals are expected to be unaffected (as described in ClinVar submission by our laboratory, SCV001363363.2). Given p.Asp424His is linked to partial Biotinidase deficiency, and provided that homozygous patients with [F383V;D424H] showed profound biotinidase deficiency, the variant of interest is implied to have an adverse effect on enzyme function. These data indicate that the variant is likely to be associated with disease. Of interest is a recent report by Hou et al (2020), describing the variant in a compound heterozygosity with p.Asp424His in an individual with no associated disease phenotype. The following publications have been ascertained in the context of this evaluation (PMID: 26589311, 24516753, 24932929, 22698809, 24525934, 31980526, 25144890, 34166817, 10400129, 34374989). Three submitters have cited clinical-significance assessments for this variant to ClinVar after 2014. Two classified the variant as pathogenic/likely pathogenic, and one classified it as uncertain significance. Based on the evidence outlined above, the variant was classified as likely pathogenic.

Quest Diagnostics Nichols Institute San Juan Capistrano
Classification: Likely pathogenic. Last evaluated: 2023-04-26. Review status: criteria provided, single submitter. Criteria: Quest Diagnostics criteria. Collection method: clinical testing. Allele origin: unknown.
Comment: The frequency of this variant in the general population, 0.00012 (4/34590 chromosomes), is uninformative in assessment of its pathogenicity. In the published literature, the variant has only been reported as a complex allele associated with profound biotinidase deficiency in homozygous individuals or those with another profound deficiency allele affected with paraparesis, optic neuropathy, and speech delay (PMIDs: 22698809 (2012), 24525934 (2014), 24932929 (2014), 26589311 (2015), 33016994 (2020), 34374989 (2021)). The complex allele with just c.1330G>C (p.Asp444His) on the other allele resulted in partial biotinidase deficiency (PMID: 25144890 (2015)).Analysis of this variant using bioinformatics tools for the prediction of the effect of amino acid changes on protein structure and function yielded predictions that this variant is damaging. Based on the available information, this variant is classified as likely pathogenic.

Labcorp Genetics (formerly Invitae), Labcorp
Classification: Uncertain significance for Biotinidase deficiency. Last evaluated: 2021-10-14. Review status: criteria provided, single submitter. Criteria: Invitae Variant Classification Sherloc (09022015). Collection method: clinical testing. Allele origin: germline.
Comment: In summary, the available evidence is currently insufficient to determine the role of this variant in disease. Therefore, it has been classified as a Variant of Uncertain Significance. Algorithms developed to predict the effect of missense changes on protein structure and function are either unavailable or do not agree on the potential impact of this missense change (SIFT: "Deleterious"; PolyPhen-2: "Probably Damaging"; Align-GVGD: "Class C0"). ClinVar contains an entry for this variant (Variation ID: 143949). This missense change has been observed in individual(s) with biotinidase deficiency (PMID: 10400129, 22698809, 24525934, 26589311). This variant is not present in population databases (ExAC no frequency). This sequence change replaces phenylalanine with valine at codon 403 of the BTD protein (p.Phe403Val). The phenylalanine residue is highly conserved and there is a small physicochemical difference between phenylalanine and valine.

Eurofins Ntd Llc (ga)
Classification: other. Last evaluated: 2018-08-02. Review status: criteria provided, single submitter. Criteria: EGL ClinVar v180209 classification definitions. Collection method: clinical testing. Allele origin: germline. Observed: 1 variant allele, 1 heterozygote.

Genetic Services Laboratory, University of Chicago
Classification: Pathogenic for Biotinidase deficiency. Last evaluated: 2016-04-29. Review status: criteria provided, single submitter. Criteria: ACMG Guidelines, 2015. Collection method: clinical testing. Allele origin: germline. Affected: yes.

Rady Children's Institute for Genomic Medicine, Rady Children's Hospital San Diego
Classification: Pathogenic for BIOTINIDASE DEFICIENCY. Review status: criteria provided, single submitter. Criteria: ACMG Guidelines, 2015. Collection method: clinical testing. Allele origin: germline. Affected: yes.
Comment: This variant is also known as c.1270G>C (p.Phe397Val) when using an alternative transcript (NM_001370658.1). The c.1207T>G (p.Phe403Val) variant is present in the heterozygous state in the gnomAD population database at a frequency of 0.0016% (4/251384) and is absent in the homozygous state, thus is presumed to be rare. The c.1207T>G (p.Phe403Val) variant affects a highly conserved amino acid and is predicted by multiple in silico tools to have a deleterious effect on protein function. This variant has been previously reported as complex allele in conjunction with the p.Asp444His (c.[1207T>G;1330G>C] (p.[Phe403Val;Asp444His]) also known as c.[1147T>G;1270G>C] (p.[Phe383Val;Asp424His])) in patients with biotinidase deficiency and partial biotinidase deficiency (PMID: 10400129, 24525934, 25144890). Functional studies showed that the p.Asp444His variant in conjunction with the p.Phe403Val variant leads to absent biotinidase levels (PMID: 10400129). Based on the available evidence, the c.[1207T>G;1330G>C] complex allele is classified as Pathogenic.

Natera, Inc.
Classification: Uncertain significance for Biotinidase deficiency. Last evaluated: 2024-02-01. Review status: no assertion criteria provided. Collection method: clinical testing. Allele origin: germline. Not counted in ClinVar's aggregate classification.

Literature cited by the submitters: PubMed 26589311 (cited by 3 submitters); PubMed 24516753 (cited by Women's Health and Genetics/Laboratory Corporation of America, LabCorp and Quest Diagnostics Nichols Institute San Juan Capistrano); PubMed 31980526 (cited by Women's Health and Genetics/Laboratory Corporation of America, LabCorp and Quest Diagnostics Nichols Institute San Juan Capistrano); PubMed 24932929 (cited by Women's Health and Genetics/Laboratory Corporation of America, LabCorp and Quest Diagnostics Nichols Institute San Juan Capistrano); PubMed 22698809 (cited by 3 submitters); PubMed 24525934 (cited by 3 submitters); PubMed 25144890 (cited by Women's Health and Genetics/Laboratory Corporation of America, LabCorp and Quest Diagnostics Nichols Institute San Juan Capistrano); PubMed 10400129 (cited by 3 submitters); PubMed 34374989 (cited by Women's Health and Genetics/Laboratory Corporation of America, LabCorp and Quest Diagnostics Nichols Institute San Juan Capistrano); PubMed 34166817 (cited by Women's Health and Genetics/Laboratory Corporation of America, LabCorp); PubMed 11668630 (cited by Quest Diagnostics Nichols Institute San Juan Capistrano); PubMed 22975760 (cited by Quest Diagnostics Nichols Institute San Juan Capistrano); PubMed 36684547 (cited by Quest Diagnostics Nichols Institute San Juan Capistrano); PubMed 33016994 (cited by Quest Diagnostics Nichols Institute San Juan Capistrano); PubMed 20556795 (cited by Quest Diagnostics Nichols Institute San Juan Capistrano); PubMed 12618081 (cited by Quest Diagnostics Nichols Institute San Juan Capistrano).